The following is an entry in ClinVar:

NM_001243133.2(NLRP3):c.172G>A (p.Asp58Asn)

Gene: NLRP3 (NLR family pyrin domain containing 3; plus strand). Cytogenetic location: 1q44.
Variant type: single nucleotide variant.
Coding change: c.172G>A on transcript NM_001243133.2 (MANE Select); coding-DNA position 172, G replaced by A.
Protein change: p.Asp58Asn; replaces aspartic acid 58 with asparagine.
Molecular consequence: missense variant.
Genome position (GRCh38, 1-based): chr1:247,418,972, G>A. VCF-style: chr1-247418972-G-A. GRCh37 (hg19) VCF-style: chr1-247582274-G-A.
Other names: c.172G>A, p.Asp58Asn (NM_001079821.3, NM_001127461.3, NM_001127462.3 and 1 more transcripts); c.178G>A, p.Asp60Asn (NM_004895.5); short protein forms D60N, D58N.
Identifiers: ClinVar variation 430301 (VCV000430301.16), dbSNP rs1131691891, ClinGen allele CA345552548.

ClinVar aggregate classification (germline): Uncertain significance. Review status: criteria provided, multiple submitters, no conflicts (2 of 4 stars). 4 submissions from 4 submitters: Uncertain significance (4). Last evaluated 2025-04-13.

Conditions:
Autoinflammatory syndrome. Identifiers: Orphanet 93665, MedGen C3890737, MONDO:0019751.
Hearing loss, autosomal dominant 34, with or without inflammation. Also called: DEAFNESS, AUTOSOMAL DOMINANT 34, WITH OR WITHOUT INFLAMMATION. Identifiers: MedGen C4521680, MONDO:0033261, OMIM 617772.
Familial amyloid nephropathy with urticaria AND deafness (MWS). Also called: UDA SYNDROME; URTICARIA-DEAFNESS-AMYLOIDOSIS SYNDROME; Urticaria, deafness and amyloidosis; MUCKLE-WELLS SYNDROME; CRYOPYRIN-ASSOCIATED PERIODIC SYNDROME 2. Identifiers: Orphanet 575, MedGen C0268390, MONDO:0008633, OMIM 191900.
Chronic infantile neurological, cutaneous and articular syndrome (CINCA). Also called: CINCA syndrome; CHRONIC NEUROLOGIC CUTANEOUS AND ARTICULAR SYNDROME; Prieur Griscelli syndrome; CRYOPYRIN-ASSOCIATED PERIODIC SYNDROME 3. Identifiers: Orphanet 1451, MedGen C0409818, MONDO:0011776, OMIM 607115.
Keratitis fugax hereditaria. Also called: KERATOENDOTHELIITIS FUGAX HEREDITARIA. Identifiers: Orphanet 647815, MedGen C1835697, MONDO:0007849, OMIM 148200.
Familial cold autoinflammatory syndrome 1 (FCAS1). Also called: Familial cold inflammatory syndrome 1; CRYOPYRIN-ASSOCIATED PERIODIC SYNDROME 1. Identifiers: Orphanet 47045, MedGen C4551895, MONDO:0007349, OMIM 120100.
Cryopyrin associated periodic syndrome (CAPS). Identifiers: Orphanet 208650, MedGen C2316212, MONDO:0016168.

Allele frequency attached by ClinVar (database versions not stated): TOPMed below 0.00001; gnomAD exomes 0.00001.

Submissions (4):

Labcorp Genetics (formerly Invitae), Labcorp
Classification: Uncertain significance for Cryopyrin associated periodic syndrome. Last evaluated: 2025-04-13. Review status: criteria provided, single submitter. Criteria: Invitae Variant Classification Sherloc (09022015). Collection method: clinical testing. Allele origin: germline.
Comment: This sequence change replaces aspartic acid, which is acidic and polar, with asparagine, which is neutral and polar, at codon 60 of the NLRP3 protein (p.Asp60Asn). This variant is not present in population databases (gnomAD no frequency). This variant has not been reported in the literature in individuals affected with NLRP3-related conditions. ClinVar contains an entry for this variant (Variation ID: 430301). Invitae Evidence Modeling of protein sequence and biophysical properties (such as structural, functional, and spatial information, amino acid conservation, physicochemical variation, residue mobility, and thermodynamic stability) has been performed for this missense variant. However, the output from this modeling did not meet the statistical confidence thresholds required to predict the impact of this variant on NLRP3 protein function. In summary, the available evidence is currently insufficient to determine the role of this variant in disease. Therefore, it has been classified as a Variant of Uncertain Significance.

Fulgent Genetics
Classification: Uncertain significance for Familial cold autoinflammatory syndrome 1; Keratitis fugax hereditaria; Familial amyloid nephropathy with urticaria AND deafness; Chronic infantile neurological, cutaneous and articular syndrome; Hearing loss, autosomal dominant 34, with or without inflammation. Last evaluated: 2024-02-27. Review status: criteria provided, single submitter. Criteria: ACMG Guidelines, 2015. Collection method: clinical testing. Allele origin: germline.

GeneDx
Classification: Uncertain significance. Last evaluated: 2017-05-24. Review status: criteria provided, single submitter. Criteria: GeneDx Variant Classification (06012015). Collection method: clinical testing. Allele origin: germline. Affected: yes.
Comment: The D60N variant has not been published as a pathogenic variant, nor has it been reported as a benign variant to our knowledge. The variant is not observed in large population cohorts (Lek et al., 2016; 1000 Genomes Consortium et al., 2015; Exome Variant Server). D60N is a semi-conservative amino acid substitution, which may impact secondary protein structure as these residues differ in some properties. This substitution occurs at a position that is not conserved. In silico analysis is inconsistent in its predictions as to whether or not the variant is damaging to the protein structure/function. In summary, based on the currently available information, it is unclear whether this variant is a pathogenic variant or a rare benign variant.

Genome Diagnostics Laboratory, The Hospital for Sick Children
Classification: Uncertain significance for Autoinflammatory syndrome. Last evaluated: 2017-02-28. Review status: criteria provided, single submitter. Criteria: ACMG Guidelines, 2015. Collection method: clinical testing. Allele origin: germline. Affected: yes.